The following is an entry in ClinVar:

ClinVar aggregate classification (germline): Pathogenic (1 of 4 stars; one submission).

Allele frequency attached by ClinVar (database versions not stated): gnomAD exomes below 0.00001.
gnomAD v4.1: 2 of 1,602,282 alleles (0.00012%); highest among the groups gnomAD compares: Non-Finnish European, 0.00017%; no homozygotes.

Submission:

Labcorp Genetics (formerly Invitae), Labcorp
Classification: Pathogenic. Last evaluated: 2025-04-08. Review status: criteria provided, single submitter. Criteria: Invitae Variant Classification Sherloc (09022015). Collection method: clinical testing. Allele origin: germline.
Comment: This sequence change creates a premature translational stop signal (p.Arg799*) in the MYH14 gene. It is expected to result in an absent or disrupted protein product. Loss-of-function variants in MYH14 are known to be pathogenic (PMID: 15015131, 28221712). This variant is not present in population databases (gnomAD no frequency). This variant has not been reported in the literature in individuals affected with MYH14-related conditions. ClinVar contains an entry for this variant (Variation ID: 2796747). For these reasons, this variant has been classified as Pathogenic.

Literature cited by the submitters: PubMed 15015131; PubMed 28221712.

NM_001145809.2(MYH14):c.2518C>T (p.Arg840Ter)

Gene: MYH14 (myosin heavy chain 14; plus strand). Cytogenetic location: 19q13.33.
Variant type: single nucleotide variant.
Coding change: c.2518C>T on transcript NM_001145809.2 (MANE Select); coding-DNA position 2518, C replaced by T.
Protein change: p.Arg840Ter; replaces arginine 840 with a stop codon.
Molecular consequence: nonsense.
Genome position (GRCh38, 1-based): chr19:50,261,568, C>T. VCF-style: chr19-50261568-C-T. GRCh37 (hg19) VCF-style: chr19-50764825-C-T.
Other names: c.2419C>T, p.Arg807Ter (NM_001077186.2); c.2395C>T, p.Arg799Ter (NM_024729.4); short protein forms R799*, R840*, R807*.
Identifiers: ClinVar variation 2796747 (VCV002796747.3), dbSNP rs2514389343, ClinGen allele CA406946225.